The following is an entry in ClinVar:

ClinVar aggregate classification (germline): Uncertain significance (1 of 4 stars; one submission).

Conditions:
Primary ciliary dyskinesia. Also called: Ciliary dyskinesia. Identifiers: Orphanet 244, MedGen C0008780, MONDO:0016575, HP:0012265.

Allele frequency attached by ClinVar (database versions not stated): ExAC 0.00001; gnomAD exomes 0.00002.
gnomAD v4.1: 23 of 1,614,128 alleles (0.0014%); highest among the groups gnomAD compares: Non-Finnish European, 0.0018%; no homozygotes.

Submission:

Labcorp Genetics (formerly Invitae), Labcorp
Classification: Uncertain significance for Primary ciliary dyskinesia. Last evaluated: 2022-05-14. Review status: criteria provided, single submitter. Criteria: Invitae Variant Classification Sherloc (09022015). Collection method: clinical testing. Allele origin: germline.
Comment: This sequence change replaces alanine, which is neutral and non-polar, with valine, which is neutral and non-polar, at codon 770 of the CCDC40 protein (p.Ala770Val). This variant is present in population databases (rs749795585, gnomAD 0.003%). This variant has not been reported in the literature in individuals affected with CCDC40-related conditions. ClinVar contains an entry for this variant (Variation ID: 860280). Algorithms developed to predict the effect of missense changes on protein structure and function output the following: SIFT: "Tolerated"; PolyPhen-2: "Benign"; Align-GVGD: "Class C0". The valine amino acid residue is found in multiple mammalian species, which suggests that this missense change does not adversely affect protein function. Algorithms developed to predict the effect of sequence changes on RNA splicing suggest that this variant may create or strengthen a splice site. In summary, the available evidence is currently insufficient to determine the role of this variant in disease. Therefore, it has been classified as a Variant of Uncertain Significance.

NM_017950.4(CCDC40):c.2309C>T (p.Ala770Val)

Gene: CCDC40 (coiled-coil domain 40 molecular ruler complex subunit; plus strand). Cytogenetic location: 17q25.3.
Variant type: single nucleotide variant.
Coding change: c.2309C>T on transcript NM_017950.4 (MANE Select); coding-DNA position 2309, C replaced by T.
Protein change: p.Ala770Val; replaces alanine 770 with valine.
Molecular consequence: missense variant.
Genome position (GRCh38, 1-based): chr17:80,086,076, C>T. VCF-style: chr17-80086076-C-T. GRCh37 (hg19) VCF-style: chr17-78059875-C-T.
Other names: c.2309C>T, p.Ala770Val (NM_001243342.2); short protein forms A770V.
Identifiers: ClinVar variation 860280 (VCV000860280.7), dbSNP rs749795585, ClinGen allele CA8814169.
Genomic context (GRCh38, chr17:80,086,076, plus strand): 5'-GGCCCCTGGAGCTTGAAATCAAAAGGCTGAGCAAGCTGATCGACGAGCACGATGGCAAGG[C>T]GGTCCAGGCCCAGGTGACCTGGCTGCGCCTGCAGCAGGAGATGGTCAAGGTGACACAGGA-3'
Protein context (NP_060420.2, residues 760-780): SKLIDEHDGK[Ala770Val]VQAQVTWLRL